The following is an entry in ClinVar:

NM_000123.4(ERCC5):c.2199+8C>T

Genes: BIVM-ERCC5 (BIVM-ERCC5 readthrough; plus strand), ERCC5 (ERCC excision repair 5, endonuclease; plus strand), LOC126861834 (BRD4-independent group 4 enhancer GRCh37_chr13:103518038-103519237; plus strand). Cytogenetic location: 13q33.1.
Variant type: single nucleotide variant.
Coding change: c.2199+8C>T on transcript NM_000123.4 (MANE Select); 8 bases into the intron after coding-DNA position 2199, C replaced by T.
Molecular consequence: intron variant.
Genome position (GRCh38, 1-based): chr13:102,865,919, C>T. VCF-style: chr13-102865919-C-T. GRCh37 (hg19) VCF-style: chr13-103518269-C-T.
Other names: c.3561+8C>T (NM_001204425.2).
Identifiers: ClinVar variation 2067825 (VCV002067825.6), dbSNP rs374093587, ClinGen allele CA7041545.

ClinVar aggregate classification (germline): Likely benign. Review status: criteria provided, single submitter (1 of 4 stars). 2 submissions from 2 submitters: Likely benign (1). 1 of the submissions does not count toward it. Last evaluated 2023-11-25.

Conditions:
BIVM-ERCC5-related disorder. Also called: BIVM-ERCC5-related condition.

Allele frequency attached by ClinVar (database versions not stated): gnomAD exomes 0.00004; gnomAD 0.00015; TOPMed 0.00014; ExAC 0.00005; ESP Exome Variant Server 0.00015.
gnomAD v4.1: 85 of 1,613,916 alleles (0.0053%); highest among the groups gnomAD compares: African/African-American, 0.035%; no homozygotes.

Submissions (2):

Labcorp Genetics (formerly Invitae), Labcorp
Classification: Likely benign. Last evaluated: 2023-11-25. Review status: criteria provided, single submitter. Criteria: Invitae Variant Classification Sherloc (09022015). Collection method: clinical testing. Allele origin: germline.

PreventionGenetics, part of Exact Sciences
Classification: Likely benign for BIVM-ERCC5-related condition. Last evaluated: 2019-02-22. Review status: no assertion criteria provided. Collection method: clinical testing. Allele origin: germline. Not counted in ClinVar's aggregate classification.
Comment: This variant is classified as likely benign based on ACMG/AMP sequence variant interpretation guidelines (Richards et al. 2015 PMID: 25741868, with internal and published modifications).